The following is an entry in ClinVar:

ClinVar aggregate classification (germline): Conflicting classifications of pathogenicity. Review status: criteria provided, conflicting classifications (1 of 4 stars). 8 submissions from 7 submitters: Uncertain significance (1); Likely benign (6). 1 of the submissions does not count toward it. Last evaluated 2026-06-22.

Conditions:
Adams-Oliver syndrome 5 (AOS5). Identifiers: Orphanet 974, MedGen C4014970, MONDO:0014459, OMIM 616028.
NOTCH1-related disorder. Also called: NOTCH1-related disorders; NOTCH1-related condition.
Familial thoracic aortic aneurysm and aortic dissection (TAAD). Also called: Thoracic aortic aneurysms and dissections. Identifiers: Orphanet 91387, MedGen C4707243, MONDO:0019625.
Aortic valve disease 1 (AOVD1). Identifiers: MedGen C3887892, MONDO:0024523, OMIM 109730.

Allele frequency attached by ClinVar (database versions not stated): TOPMed 0.00039; 1000 Genomes Project 0.00060; 1000 Genomes Project 30x 0.00062.
gnomAD v4.1: 154 of 1,558,714 alleles (0.0099%); highest among the groups gnomAD compares: Admixed American, 0.23%; 1 homozygote.

Submissions (8):

PreventionGenetics, part of Exact Sciences
Classification: Likely benign for NOTCH1-related condition. Last evaluated: 2026-06-22. Review status: criteria provided, single submitter. Criteria: ACMG Guidelines, 2015. Collection method: clinical testing. Allele origin: germline.
Comment: This variant is classified as likely benign based on ACMG/AMP sequence variant interpretation guidelines (Richards et al. 2015 PMID: 25741868, with internal and published modifications).

Labcorp Genetics (formerly Invitae), Labcorp
Classification: Likely benign for Adams-Oliver syndrome 5. Last evaluated: 2025-11-03. Review status: criteria provided, single submitter. Criteria: Invitae Variant Classification Sherloc (09022015). Collection method: clinical testing. Allele origin: germline.

Blueprint Genetics
Classification: Uncertain significance. Last evaluated: 2022-11-07. Review status: criteria provided, single submitter. Criteria: ACMG Guidelines, 2015. Collection method: clinical testing. Allele origin: germline.

Genome-Nilou Lab
Classification: Likely benign for Adams-Oliver syndrome 5. Last evaluated: 2022-03-15. Review status: criteria provided, single submitter. Criteria: ACMG Guidelines, 2015. Collection method: clinical testing. Allele origin: germline. Affected: no.

Genome-Nilou Lab
Classification: Likely benign for Aortic valve disease 1. Last evaluated: 2022-03-15. Review status: criteria provided, single submitter. Criteria: ACMG Guidelines, 2015. Collection method: clinical testing. Allele origin: germline. Affected: no.

GeneDx
Classification: Likely benign. Last evaluated: 2021-05-11. Review status: criteria provided, single submitter. Criteria: GeneDx Variant Classification Process June 2021. Collection method: clinical testing. Allele origin: germline. Affected: yes.

Ambry Genetics
Classification: Likely benign for Familial thoracic aortic aneurysm and aortic dissection. Last evaluated: 2018-12-31. Review status: criteria provided, single submitter. Criteria: Ambry Variant Classification Scheme 2023. Collection method: clinical testing. Allele origin: germline.

ITMI
No classification provided. Condition: AllHighlyPenetrant. Last evaluated: 2013-09-19. Review status: no classification provided. Collection method: reference population. Allele origin: germline. Not counted in ClinVar's aggregate classification.
Comment: Please see associated publication for description of ethnicities

Literature cited by the submitters: PubMed 24728327 (cited by ITMI).

NM_017617.5(NOTCH1):c.608G>A (p.Arg203His)

Gene: NOTCH1 (notch receptor 1; minus strand). Cytogenetic location: 9q34.3.
Variant type: single nucleotide variant.
Coding change: c.608G>A on transcript NM_017617.5 (MANE Select); coding-DNA position 608, G replaced by A.
Protein change: p.Arg203His; replaces arginine 203 with histidine.
Molecular consequence: missense variant.
Genome position (GRCh38, 1-based): chr9:136,522,984, C>T on the plus strand (G>A on the coding strand, the complement: NOTCH1 is on the minus strand). VCF-style: chr9-136522984-C-T. GRCh37 (hg19) VCF-style: chr9-139417436-C-T.
Other names: c.608G>A (NM_017617.4); c.608G>A, p.Arg203His (LRG_1122t1); short protein forms R203H.
Identifiers: ClinVar variation 134958 (VCV000134958.19), dbSNP rs182763411, ClinGen allele CA161243.